The following is an entry in ClinVar:

NM_033118.4(MYLK2):c.-67T>C

Gene: MYLK2 (myosin light chain kinase 2; plus strand). Cytogenetic location: 20q11.21.
Variant type: single nucleotide variant.
Coding change: c.-67T>C on transcript NM_033118.4 (MANE Select); 67 bases upstream of the start codon, T replaced by C.
Molecular consequence: 5 prime UTR variant.
Genome position (GRCh38, 1-based): chr20:31,819,410, T>C. VCF-style: chr20-31819410-T-C. GRCh37 (hg19) VCF-style: chr20-30407213-T-C.
Identifiers: ClinVar variation 138405 (VCV000138405.2), dbSNP rs1887731, ClinGen allele CA333114.

ClinVar aggregate classification (germline): Benign. Review status: criteria provided, multiple submitters, no conflicts (2 of 4 stars). 2 submissions from 2 submitters: Benign (2). Last evaluated 2013-11-22.

Allele frequency attached by ClinVar (database versions not stated): TOPMed 0.07377; gnomAD 0.08133 and 0.08100; gnomAD exomes 0.10417; 1000 Genomes Project 30x 0.05309; 1000 Genomes Project 0.05391.

Submissions (2):

GeneDx
Classification: Benign. Last evaluated: 2013-11-22. Review status: criteria provided, single submitter. Criteria: GeneDx Variant Classification (06012015). Collection method: clinical testing. Allele origin: germline. Affected: yes.
Comment: This variant is considered likely benign or benign based on one or more of the following criteria: it is a conservative change, it occurs at a poorly conserved position in the protein, it is predicted to be benign by multiple in silico algorithms, and/or has population frequency not consistent with disease.

Breakthrough Genomics
Classification: Benign. Review status: criteria provided, single submitter. Criteria: ACMG Guidelines, 2015. Collection method: not provided. Allele origin: germline. Inheritance: Autosomal dominant inheritance. Affected: yes.